The following is an entry in ClinVar:

NM_006389.5(HYOU1):c.1768A>G (p.Thr590Ala)

Gene: HYOU1 (hypoxia up-regulated 1; minus strand). Cytogenetic location: 11q23.3.
Variant type: single nucleotide variant.
Coding change: c.1768A>G on transcript NM_006389.5 (MANE Select); coding-DNA position 1768, A replaced by G.
Protein change: p.Thr590Ala; replaces threonine 590 with alanine.
Molecular consequence: missense variant.
Genome position (GRCh38, 1-based): chr11:119,049,594, T>C on the plus strand (A>G on the coding strand, the complement: HYOU1 is on the minus strand). VCF-style: chr11-119049594-T-C. GRCh37 (hg19) VCF-style: chr11-118920306-T-C.
Other names: c.1768A>G, p.Thr590Ala (NM_001130991.3, NM_001411041.1); short protein forms T590A.
Identifiers: ClinVar variation 2907258 (VCV002907258.3), dbSNP rs1265834699, ClinGen allele CA382932916.

ClinVar aggregate classification (germline): Uncertain significance (1 of 4 stars; one submission).

Allele frequency attached by ClinVar (database versions not stated): gnomAD 0.00001; gnomAD exomes 0.00002.
gnomAD v4.1: 11 of 1,614,018 alleles (0.00068%); highest among the groups gnomAD compares: Non-Finnish European, 0.00093%; no homozygotes.

Submission:

Labcorp Genetics (formerly Invitae), Labcorp
Classification: Uncertain significance. Last evaluated: 2023-07-27. Review status: criteria provided, single submitter. Criteria: Invitae Variant Classification Sherloc (09022015). Collection method: clinical testing. Allele origin: germline.
Comment: This sequence change replaces threonine, which is neutral and polar, with alanine, which is neutral and non-polar, at codon 590 of the HYOU1 protein (p.Thr590Ala). This variant is present in population databases (no rsID available, gnomAD 0.0009%). In summary, the available evidence is currently insufficient to determine the role of this variant in disease. Therefore, it has been classified as a Variant of Uncertain Significance. Algorithms developed to predict the effect of missense changes on protein structure and function output the following: SIFT: "Not Available"; PolyPhen-2: "Benign"; Align-GVGD: "Not Available". The alanine amino acid residue is found in multiple mammalian species, which suggests that this missense change does not adversely affect protein function. This variant has not been reported in the literature in individuals affected with HYOU1-related conditions.